The following is an entry in ClinVar:

ClinVar aggregate classification (germline): Uncertain significance (1 of 4 stars; one submission).

Conditions:
Familial focal epilepsy with variable foci (FPEVF). Identifiers: Orphanet 98820, MedGen C1858477, MONDO:0020310.

Submission:

Labcorp Genetics (formerly Invitae), Labcorp
Classification: Uncertain significance for Familial focal epilepsy with variable foci. Last evaluated: 2023-11-11. Review status: criteria provided, single submitter. Criteria: Invitae Variant Classification Sherloc (09022015). Collection method: clinical testing. Allele origin: germline.
Comment: This sequence change replaces arginine, which is basic and polar, with tryptophan, which is neutral and slightly polar, at codon 356 of the DEPDC5 protein (p.Arg356Trp). This variant is not present in population databases (gnomAD no frequency). This variant has not been reported in the literature in individuals affected with DEPDC5-related conditions. Experimental studies and prediction algorithms are not available or were not evaluated, and the functional significance of this variant is currently unknown. In summary, the available evidence is currently insufficient to determine the role of this variant in disease. Therefore, it has been classified as a Variant of Uncertain Significance.

NM_001242896.3(DEPDC5):c.1066C>T (p.Arg356Trp)

Gene: DEPDC5 (DEP domain containing 5, GATOR1 subcomplex subunit; plus strand). Cytogenetic location: 22q12.3.
Variant type: single nucleotide variant.
Coding change: c.1066C>T on transcript NM_001242896.3 (MANE Select); coding-DNA position 1066, C replaced by T.
Protein change: p.Arg356Trp; replaces arginine 356 with tryptophan.
Molecular consequence: missense variant. On other transcripts: non-coding transcript variant (5).
Genome position (GRCh38, 1-based): chr22:31,802,823, C>T. VCF-style: chr22-31802823-C-T. GRCh37 (hg19) VCF-style: chr22-32198809-C-T.
Other names: c.1066C>T, p.Arg356Trp (NM_001007188.4, NM_001136029.4, NM_001242897.2 and 7 more transcripts); c.982C>T, p.Arg328Trp (NM_001369901.1, NM_001369902.1); short protein forms R328W, R356W.
Identifiers: ClinVar variation 2695184 (VCV002695184.3), dbSNP rs2518879251, ClinGen allele CA411292982.
Genomic context (GRCh38, chr22:31,802,823, plus strand): 5'-ATCACGCCCGGGGTGGGTGTCTTTGAAGTGGACCGCCTACTCATGATCCTGACCAAGCAG[C>T]GGATGATAGATAATGGTAATGCTCTCTGGTTTGTGCCCTGTCTCCACATGTTCCTAGCCT-3'
Protein context (NP_001229825.1, residues 346-366): DRLLMILTKQ[Arg356Trp]MIDNGIGVDL